The following is an entry in ClinVar:

NM_002591.4(PCK1):c.521C>T (p.Thr174Met)

Gene: PCK1 (phosphoenolpyruvate carboxykinase 1; plus strand). Cytogenetic location: 20q13.31.
Variant type: single nucleotide variant.
Coding change: c.521C>T on transcript NM_002591.4 (MANE Select); coding-DNA position 521, C replaced by T.
Protein change: p.Thr174Met; replaces threonine 174 with methionine.
Molecular consequence: missense variant.
Genome position (GRCh38, 1-based): chr20:57,562,810, C>T. VCF-style: chr20-57562810-C-T. GRCh37 (hg19) VCF-style: chr20-56137866-C-T.
Other names: short protein forms T174M.
Identifiers: ClinVar variation 898783 (VCV000898783.9), dbSNP rs199822253, ClinGen allele CA9922045.

ClinVar aggregate classification (germline): Uncertain significance. Review status: criteria provided, multiple submitters, no conflicts (2 of 4 stars). 3 submissions from 3 submitters: Uncertain significance (3). Last evaluated 2023-04-06.

Conditions:
Phosphoenolpyruvate carboxykinase deficiency, cytosolic (PCKDC). Also called: PCK1 DEFICIENCY, CYTOSOLIC; PEPCK DEFICIENCY, CYTOSOLIC. Identifiers: Orphanet 2880, MedGen C5574905, MONDO:0009866, OMIM 261680.

Allele frequency attached by ClinVar (database versions not stated): ESP Exome Variant Server 0.00008; gnomAD 0.00009 and 0.00011; ExAC 0.00012; gnomAD exomes 0.00013; TOPMed 0.00016.

Submissions (3):

Department of Pathology and Laboratory Medicine, Sinai Health System
Classification: Uncertain significance for Phosphoenolpyruvate carboxykinase deficiency, cytosolic. Last evaluated: 2023-04-06. Review status: criteria provided, single submitter. Criteria: ACMG Guidelines, 2015. Collection method: research. Allele origin: germline.

Labcorp Genetics (formerly Invitae), Labcorp
Classification: Uncertain significance. Last evaluated: 2022-08-23. Review status: criteria provided, single submitter. Criteria: Invitae Variant Classification Sherloc (09022015). Collection method: clinical testing. Allele origin: germline.
Comment: This sequence change replaces threonine, which is neutral and polar, with methionine, which is neutral and non-polar, at codon 174 of the PCK1 protein (p.Thr174Met). This variant is present in population databases (rs199822253, gnomAD 0.2%). This variant has not been reported in the literature in individuals affected with PCK1-related conditions. ClinVar contains an entry for this variant (Variation ID: 898783). Algorithms developed to predict the effect of missense changes on protein structure and function (SIFT, PolyPhen-2, Align-GVGD) all suggest that this variant is likely to be disruptive. In summary, the available evidence is currently insufficient to determine the role of this variant in disease. Therefore, it has been classified as a Variant of Uncertain Significance.

Illumina Laboratory Services, Illumina
Classification: Uncertain significance for Phosphoenolpyruvate carboxykinase deficiency, cytosolic. Last evaluated: 2017-04-27. Review status: criteria provided, single submitter. Criteria: ICSL Variant Classification Criteria 13 December 2019. Collection method: clinical testing. Allele origin: germline.
Comment: This variant was observed as part of a predisposition screen in an ostensibly healthy population. A literature search was performed for the gene, cDNA change, and amino acid change (where applicable). Publications were found based on this search. However, the evidence from the literature, in combination with allele frequency data from public databases where available, was not sufficient to rule this variant in or out of causing disease. Therefore, this variant is classified as a variant of unknown significance.

Literature cited by the submitters: PubMed 1092127 (cited by Illumina Laboratory Services, Illumina).